The following is an entry in ClinVar:

NM_001200.4(BMP2):c.290A>G (p.His97Arg)

Gene: BMP2 (bone morphogenetic protein 2; plus strand). Cytogenetic location: 20p12.3.
Variant type: single nucleotide variant.
Coding change: c.290A>G on transcript NM_001200.4 (MANE Select); coding-DNA position 290, A replaced by G.
Protein change: p.His97Arg; replaces histidine 97 with arginine.
Molecular consequence: missense variant.
Genome position (GRCh38, 1-based): chr20:6,770,416, A>G. VCF-style: chr20-6770416-A-G. GRCh37 (hg19) VCF-style: chr20-6751063-A-G.
Other names: short protein forms H97R.
Identifiers: ClinVar variation 2771615 (VCV002771615.3), dbSNP rs1285712947, ClinGen allele CA408260624.

ClinVar aggregate classification (germline): Uncertain significance (1 of 4 stars; one submission).

Allele frequency attached by ClinVar (database versions not stated): gnomAD exomes below 0.00001; TOPMed below 0.00001.
gnomAD v4.1: 3 of 1,610,470 alleles (0.00019%); highest among the groups gnomAD compares: African/African-American, 0.0013%; no homozygotes.

Submission:

Labcorp Genetics (formerly Invitae), Labcorp
Classification: Uncertain significance. Last evaluated: 2023-10-24. Review status: criteria provided, single submitter. Criteria: Invitae Variant Classification Sherloc (09022015). Collection method: clinical testing. Allele origin: germline.
Comment: This sequence change replaces histidine, which is basic and polar, with arginine, which is basic and polar, at codon 97 of the BMP2 protein (p.His97Arg). The frequency data for this variant in the population databases is considered unreliable, as metrics indicate poor data quality at this position in the gnomAD database. This variant has not been reported in the literature in individuals affected with BMP2-related conditions. An algorithm developed to predict the effect of missense changes on protein structure and function (PolyPhen-2) suggests that this variant is likely to be tolerated. In summary, the available evidence is currently insufficient to determine the role of this variant in disease. Therefore, it has been classified as a Variant of Uncertain Significance.